The following is an entry in ClinVar:

ClinVar aggregate classification (germline): Uncertain significance (1 of 4 stars; one submission).

gnomAD v4.1: 2 of 1,591,254 alleles (0.00013%); highest among the groups gnomAD compares: African/African-American, 0.0027%; no homozygotes.

Submission:

Ambry Genetics
Classification: Uncertain significance. Last evaluated: 2025-02-08. Review status: criteria provided, single submitter. Criteria: Ambry Variant Classification Scheme 2023. Collection method: clinical testing. Allele origin: germline.
Comment: The p.I546N variant (also known as c.1637T>A), located in coding exon 7 of the WNK2 gene, results from a T to A substitution at nucleotide position 1637. The isoleucine at codon 546 is replaced by asparagine, an amino acid with dissimilar properties. This amino acid position is conserved. In addition, the in silico prediction for this alteration is inconclusive. Based on the available evidence, the clinical significance of this variant remains unclear.

NM_006648.4(WNK2):c.1637T>A (p.Ile546Asn)

Gene: WNK2 (WNK lysine deficient protein kinase 2; plus strand). Cytogenetic location: 9q22.31.
Variant type: single nucleotide variant.
Coding change: c.1637T>A on transcript NM_006648.4 (MANE Select); coding-DNA position 1637, T replaced by A.
Protein change: p.Ile546Asn; replaces isoleucine 546 with asparagine.
Molecular consequence: missense variant.
Genome position (GRCh38, 1-based): chr9:93,247,637, T>A. VCF-style: chr9-93247637-T-A. GRCh37 (hg19) VCF-style: chr9-96009919-T-A.
Other names: c.1637T>A, p.Ile546Asn (NM_001282394.3); short protein forms I546N.
Identifiers: ClinVar variation 3817029 (VCV003817029.1).